The following is an entry in ClinVar:

NM_006885.4(ZFHX3):c.1378G>C (p.Glu460Gln)

Gene: ZFHX3 (zinc finger homeobox 3; minus strand). Cytogenetic location: 16q22.3.
Variant type: single nucleotide variant.
Coding change: c.1378G>C on transcript NM_006885.4 (MANE Select); coding-DNA position 1378, G replaced by C.
Protein change: p.Glu460Gln; replaces glutamic acid 460 with glutamine.
Molecular consequence: missense variant. On other transcripts: intron variant (1).
Genome position (GRCh38, 1-based): chr16:72,958,768, C>G on the plus strand (G>C on the coding strand, the complement: ZFHX3 is on the minus strand). VCF-style: chr16-72958768-C-G. GRCh37 (hg19) VCF-style: chr16-72992667-C-G.
Other names: c.1378G>C, p.Glu460Gln (NM_001386735.1); c.-23-7803G>C (NM_001164766.2); short protein forms E460Q.
Identifiers: ClinVar variation 3057232 (VCV003057232.2), dbSNP rs2073852, ClinGen allele CA8164751.

ClinVar aggregate classification (germline): Benign (0 of 4 stars; one submission).

Conditions:
ZFHX3-related disorder. Also called: ZFHX3-related condition.

Allele frequency attached by ClinVar (database versions not stated): ESP Exome Variant Server 0.00800; TOPMed 0.01495; 1000 Genomes Project 30x 0.04279; 1000 Genomes Project 0.04673.
gnomAD v4.1: 30,424 of 1,614,070 alleles (1.9%); highest among the groups gnomAD compares: East Asian, 19%; 1,332 homozygotes.

Submission:

PreventionGenetics, part of Exact Sciences
Classification: Benign for ZFHX3-related condition. Last evaluated: 2019-06-18. Review status: no assertion criteria provided. Collection method: clinical testing. Allele origin: germline.
Comment: This variant is classified as benign based on ACMG/AMP sequence variant interpretation guidelines (Richards et al. 2015 PMID: 25741868, with internal and published modifications).